The following is an entry in ClinVar:

NM_015488.5(PNKD):c.919G>A (p.Glu307Lys)

Genes: CATIP-AS2 (CATIP antisense RNA 2; minus strand), PNKD (PNKD metallo-beta-lactamase domain containing; plus strand). Cytogenetic location: 2q35.
Variant type: single nucleotide variant.
Coding change: c.919G>A on transcript NM_015488.5 (MANE Select); coding-DNA position 919, G replaced by A.
Protein change: p.Glu307Lys; replaces glutamic acid 307 with lysine.
Molecular consequence: missense variant.
Genome position (GRCh38, 1-based): chr2:218,344,505, G>A. VCF-style: chr2-218344505-G-A. GRCh37 (hg19) VCF-style: chr2-219209228-G-A.
Other names: c.847G>A, p.Glu283Lys (NM_022572.5); short protein forms E307K, E283K.
Identifiers: ClinVar variation 536504 (VCV000536504.43), dbSNP rs139825405, ClinGen allele CA2104152.
Genomic context (GRCh38, chr2:218,344,505, plus strand): 5'-CTGTCGGTAGGTCATGAGTATGCAGAGGAGAACCTGGGCTTTGCAGGTGTGGTGGAGCCC[G>A]AGAACCTGGCCCGGGAGAGGAAGATGCAGTGGGTGCAGCGGCAGCGGCTGGAGCGCAAGG-3'
Protein context (NP_056303.3, residues 297-317): NLGFAGVVEP[Glu307Lys]NLARERKMQW

ClinVar aggregate classification (germline): Benign/Likely benign. Review status: criteria provided, multiple submitters, no conflicts (2 of 4 stars). 6 submissions from 6 submitters: Benign (1); Likely benign (4). 1 of the submissions does not count toward it. Last evaluated 2025-10-28.

Conditions:
PNKD-related disorder. Also called: PNKD-related condition.
Paroxysmal nonkinesigenic dyskinesia. Also called: Paroxysmal non-kinesigenic dyskinesia. Identifiers: Orphanet 98810, MedGen C1869117, MONDO:0700088.
Paroxysmal nonkinesigenic dyskinesia 1 (PNKD1). Also called: DYSTONIA 8; PAROXYSMAL DYSTONIC CHOREOATHETOSIS; Familial Paroxysmal Nonkinesigenic Dyskinesia; Nonkinesigenic choreoathetosis; Familial paroxysmal choreoathetosis; PxMD-PNKD. Identifiers: Orphanet 98810, MedGen C4551506, MONDO:0700089, OMIM 118800, MONDO:0007326.

Allele frequency attached by ClinVar (database versions not stated): gnomAD exomes 0.00044; gnomAD 0.00048 and 0.00053; ESP Exome Variant Server 0.00054; ExAC 0.00110; TOPMed 0.00032.
gnomAD v4.1: 828 of 1,592,466 alleles (0.052%); highest among the groups gnomAD compares: Non-Finnish European, 0.054%; 1 homozygote.

Submissions (6):

Labcorp Genetics (formerly Invitae), Labcorp
Classification: Likely benign for Paroxysmal nonkinesigenic dyskinesia. Last evaluated: 2025-10-28. Review status: criteria provided, single submitter. Criteria: Invitae Variant Classification Sherloc (09022015). Collection method: clinical testing. Allele origin: germline.

CeGaT Center for Human Genetics Tuebingen
Classification: Likely benign. Last evaluated: 2025-04-01. Review status: criteria provided, single submitter. Criteria: CeGaT Center For Human Genetics Tuebingen Variant Classification Criteria Version 2. Collection method: clinical testing. Allele origin: germline. Affected: yes. Observed: 3 variant alleles.
Comment: PNKD: BS1

Blueprint Genetics
Classification: Likely benign. Last evaluated: 2024-09-20. Review status: criteria provided, single submitter. Criteria: ACMG Guidelines, 2015. Collection method: clinical testing. Allele origin: germline.

GeneDx
Classification: Likely benign. Last evaluated: 2019-10-01. Review status: criteria provided, single submitter. Criteria: GeneDx Variant Classification Process June 2021. Collection method: clinical testing. Allele origin: germline. Affected: yes.

Illumina Laboratory Services, Illumina
Classification: Benign for Paroxysmal nonkinesigenic dyskinesia 1. Last evaluated: 2018-01-13. Review status: criteria provided, single submitter. Criteria: ICSL Variant Classification Criteria 13 December 2019. Collection method: clinical testing. Allele origin: germline.
Comment: This variant was observed in the ICSL laboratory as part of a predisposition screen in an ostensibly healthy population. It had not been previously curated by ICSL or reported in the Human Gene Mutation Database (HGMD: prior to June 1st, 2018), and was therefore a candidate for classification through an automated scoring system. Utilizing variant allele frequency, disease prevalence and penetrance estimates, and inheritance mode, an automated score was calculated to assess if this variant is too frequent to cause the disease. Based on the score and internal cut-off values, a variant classified as benign is not then subjected to further curation. The score for this variant resulted in a classification of benign for this disease.

PreventionGenetics, part of Exact Sciences
Classification: Likely benign for PNKD-related condition. Last evaluated: 2019-03-05. Review status: no assertion criteria provided. Collection method: clinical testing. Allele origin: germline. Not counted in ClinVar's aggregate classification.
Comment: This variant is classified as likely benign based on ACMG/AMP sequence variant interpretation guidelines (Richards et al. 2015 PMID: 25741868, with internal and published modifications).